The following is an entry in ClinVar:

ClinVar aggregate classification (germline): Likely pathogenic. Review status: criteria provided, single submitter (1 of 4 stars). 2 submissions from 2 submitters: Likely pathogenic (1). 1 of the submissions does not count toward it. Last evaluated 2023-07-17.

Conditions:
ALG12-congenital disorder of glycosylation (CDG1G). Also called: Congenital disorder of glycosylation, type Ig; CDG Ig; ALG12-CDG. Identifiers: Orphanet 79324, MedGen C2931001, MONDO:0011783, OMIM 607143.

Submissions (2):

3billion
Classification: Likely pathogenic for ALG12-congenital disorder of glycosylation. Last evaluated: 2023-07-17. Review status: criteria provided, single submitter. Criteria: ACMG Guidelines, 2015. Collection method: clinical testing. Allele origin: germline. Affected: yes.
Comment: The variant is not observed in the gnomAD v2.1.1 dataset. Predicted Consequence/Location: Missense variant Functional studies provide moderate evidence of the variant having a damaging effect on the gene or gene product (PMID: 11983712). In silico tool predictions suggest damaging effect of the variant on gene or gene product (REVEL: 0.81; 3Cnet: 0.82). Same nucleotide change resulting in same amino acid change has been previously reported to be associated with ALG12 related disorder (ClinVar ID: VCV000003433 /PMID: 11983712). Therefore, this variant is classified as Likely pathogenic according to the recommendation of ACMG/AMP guideline.

OMIM
Classification: Pathogenic for CONGENITAL DISORDER OF GLYCOSYLATION, TYPE Ig. Last evaluated: 2003-08-01. Review status: no assertion criteria provided. Collection method: literature only. Allele origin: germline. Not counted in ClinVar's aggregate classification.

Literature cited by the submitters: PubMed 11983712 (cited by 3billion and OMIM); PubMed 12736397 (cited by OMIM).

NM_024105.4(ALG12):c.424T>G (p.Phe142Val)

Gene: ALG12 (ALG12 alpha-1,6-mannosyltransferase; minus strand). Cytogenetic location: 22q13.33.
Variant type: single nucleotide variant.
Coding change: c.424T>G on transcript NM_024105.4 (MANE Select); coding-DNA position 424, T replaced by G.
Protein change: p.Phe142Val; replaces phenylalanine 142 with valine.
Molecular consequence: missense variant.
Genome position (GRCh38, 1-based): chr22:49,910,479, A>C on the plus strand (T>G on the coding strand, the complement: ALG12 is on the minus strand). VCF-style: chr22-49910479-A-C. GRCh37 (hg19) VCF-style: chr22-50304127-A-C.
Other names: short protein forms F142V.
Identifiers: ClinVar variation 3433 (VCV000003433.2), dbSNP rs28942090, ClinGen allele CA252769.